The following is an entry in ClinVar:

NM_004172.5(SLC1A3):c.299T>C (p.Ile100Thr)

Gene: SLC1A3 (solute carrier family 1 member 3; plus strand). Cytogenetic location: 5p13.2.
Variant type: single nucleotide variant.
Coding change: c.299T>C on transcript NM_004172.5 (MANE Select); coding-DNA position 299, T replaced by C.
Protein change: p.Ile100Thr; replaces isoleucine 100 with threonine.
Molecular consequence: missense variant. On other transcripts: intron variant (1).
Genome position (GRCh38, 1-based): chr5:36,629,567, T>C. VCF-style: chr5-36629567-T-C. GRCh37 (hg19) VCF-style: chr5-36629669-T-C.
Other names: c.299T>C, p.Ile100Thr (NM_001166695.3, NM_001289940.2); c.181+20963T>C (NM_001289939.2); short protein forms I100T.
Identifiers: ClinVar variation 1805783 (VCV001805783.1), dbSNP rs2477948234, ClinGen allele CA359473173.

ClinVar aggregate classification (germline): Uncertain significance (1 of 4 stars; one submission).

Conditions:
Episodic ataxia type 6. Identifiers: Orphanet 209967, MedGen C2675211, MONDO:0012982, OMIM 612656.

Allele frequency attached by ClinVar (database versions not stated): gnomAD exomes below 0.00001.
gnomAD v4.1: 5 of 1,613,494 alleles (0.00031%); highest among the groups gnomAD compares: Non-Finnish European, 0.00042%; no homozygotes.

Submission:

Victorian Clinical Genetics Services, Murdoch Childrens Research Institute
Classification: Uncertain significance for Episodic ataxia type 6. Last evaluated: 2020-05-25. Review status: criteria provided, single submitter. Criteria: ACMG Guidelines, 2015. Collection method: clinical testing. Allele origin: germline. Inheritance: Autosomal dominant inheritance. Affected: yes.
Comment: Based on the classification scheme VCGS_Germline_v1.1.1, this variant is classified as a 3B-VUS. Following criteria are met: 0103 - Both loss- and gain-of-function are known mechanisms of disease for this gene. (N) 0107 - This gene is known to be associated with autosomal dominant disease (exon 3). (N) 0112 - Variants in this gene are known to have reduced penetrance. (N) 0200 - Variant is predicted to result in a missense amino acid change from an isoleucine to a threonine. (N) 0251 - Variant is heterozygous. (N) 0301 - Variant is absent from gnomAD. (P) 0502 - Missense variant with conflicting in silico predictions and/or uninformative conservation. (N) 0600 - Variant is located in an annotated domain or motif (helical region; PDB, Uniprot)(N) 0705 - No comparable variants have previous evidence for pathogenicity. (N) 0807 - Variant has not previously been reported in a clinical context. (N) 0905 - No segregation evidence has been identified for this variant. (N) 1007 - No published functional evidence has been identified for this variant. (N) 1208 - Inheritance information for this variant is not currently available. (N) Legend: (P) - Pathogenic, (N) - Neutral, (B) - Benign